The following is an entry in ClinVar:

ClinVar aggregate classification (germline): Pathogenic. Review status: reviewed by expert panel (3 of 4 stars). 11 submissions from 11 submitters: Pathogenic (1). 10 of the submissions do not count toward it. Last evaluated 2016-09-08.

Conditions:
BRCA2-related cancer predisposition. Identifiers: MedGen CN377758, MONDO:0700269.
Hereditary cancer-predisposing syndrome. Also called: Tumor predisposition; Neoplastic Syndromes, Hereditary; Hereditary Cancer Syndrome; Hereditary neoplastic syndrome. Identifiers: Orphanet 140162, MedGen C0027672, MeSH D009386, MONDO:0015356.
Hereditary breast ovarian cancer syndrome. Also called: Hereditary breast and/or ovarian cancer syndrome; Hereditary breast and ovarian cancer; Hereditary breast and ovarian cancer syndrome (HBOC); BRCA1- and BRCA2-Associated Hereditary Breast and Ovarian Cancer; Breast and ovarian cancer; Hereditary breast and ovarian cancer syndrome. Identifiers: Orphanet 145, MedGen C0677776, MeSH D061325, MONDO:0003582. Disease mechanism: loss of function.
Breast-ovarian cancer, familial, susceptibility to, 2 (BROVCA2). Also called: BRCA2 Hereditary Breast and Ovarian Cancer. Identifiers: Orphanet 145, MedGen C2675520, MONDO:0012933, OMIM 612555. Disease mechanism: loss of function.

Submissions (11):

Evidence-based Network for the Interpretation of Germline Mutant Alleles (ENIGMA)
Classification: Pathogenic for Breast-ovarian cancer, familial, susceptibility to, 2. Last evaluated: 2016-09-08. Review status: reviewed by expert panel. Criteria: ENIGMA BRCA1/2 Classification Criteria (2015). Collection method: curation. Allele origin: germline.
Comment: Variant allele predicted to encode a truncated non-functional protein.

Color Diagnostics, LLC DBA Color Health
Classification: Pathogenic for Hereditary cancer-predisposing syndrome. Last evaluated: 2024-12-11. Review status: criteria provided, single submitter. Criteria: ACMG Guidelines, 2015. Collection method: clinical testing. Allele origin: germline. Not counted in ClinVar's aggregate classification.
Comment: This variant deletes 4 nucleotides in exon 11 of the BRCA2 gene, creating a frameshift and premature translation stop signal. This variant is expected to result in an absent or non-functional protein product. This variant has not been identified in the general population by the Genome Aggregation Database (gnomAD). Loss of BRCA2 function is a known mechanism of disease. Based on the available evidence, this variant is classified as Pathogenic.

All of Us Research Program, National Institutes of Health
Classification: Pathogenic for BRCA2-related cancer predisposition. Last evaluated: 2024-09-27. Review status: criteria provided, single submitter. Criteria: ACMG Guidelines, 2015. Collection method: clinical testing. Allele origin: germline. Inheritance: Autosomal dominant inheritance. Observed: 2 variant alleles, 2 heterozygotes. Not counted in ClinVar's aggregate classification.
Comment: The c.6393_6396del variant in the BRCA2 gene is located on the exon 11 is predicted to cause shift of reading frame which introduces a premature translation termination codon (p.Lys2131Asnfs*5), resulting in an absent or disrupted protein product. The variant has been reported in individuals with breast and/or ovarian Cancer (PMID: 17997147, 35464868, 31575519, 31853058). The other protein termination codon variants located in the same exon (p.Ser1404*, p.Gln2160*, p.Cys2256*) have been interpreted as pathogenic (ClinVar ID: 91815, 266950, 52180). Loss-of-function variants in the BRCA2 gene are known to cause hereditary breast and ovarian cancer (PMID: 8988179, 11897832, 29446198). This variant has been reported in ClinVar as pathogenic by the expert panel (ID: 52080). The variant is absent in the general population database (gnomAD). Therefore, the c.6393_6396del (p.Lys2131Asnfs*5) variant in the BRCA2 gene has been classified as pathogenic.

This study involves interpretation of variants in research participants for the purpose of population health screening. Participant phenotype was not available at the time of variant classification. Additional details can be found in publication PMID: 35346344, PMCID: PMC8962531

Labcorp Genetics (formerly Invitae), Labcorp
Classification: Pathogenic for Hereditary breast ovarian cancer syndrome. Last evaluated: 2023-11-17. Review status: criteria provided, single submitter. Criteria: Invitae Variant Classification Sherloc (09022015). Collection method: clinical testing. Allele origin: germline. Not counted in ClinVar's aggregate classification.
Comment: This sequence change creates a premature translational stop signal (p.Lys2131Asnfs*5) in the BRCA2 gene. It is expected to result in an absent or disrupted protein product. Loss-of-function variants in BRCA2 are known to be pathogenic (PMID: 20104584). This variant is not present in population databases (gnomAD no frequency). This premature translational stop signal has been observed in individual(s) with breast and/or ovarian cancer (PMID: 12114492, 17997147, 27167707). This variant is also known as 6621del4. ClinVar contains an entry for this variant (Variation ID: 52080). For these reasons, this variant has been classified as Pathogenic.

Women's Health and Genetics/Laboratory Corporation of America, LabCorp
Classification: Pathogenic for Hereditary breast ovarian cancer syndrome. Last evaluated: 2023-10-04. Review status: criteria provided, single submitter. Criteria: LabCorp Variant Classification Summary - May 2015. Collection method: clinical testing. Allele origin: germline. Not counted in ClinVar's aggregate classification.
Comment: Variant summary: BRCA2 c.6393_6396delATTA (p.Lys2131AsnfsX5) results in a premature termination codon, predicted to cause a truncation of the encoded protein or absence of the protein due to nonsense mediated decay, which are commonly known mechanisms for disease. The variant was absent in 241088 control chromosomes. c.6393_6396delATTA has been reported in the literature in multiple individuals affected with Hereditary Breast And Ovarian Cancer Syndrome (e.g., Kwiatkowska_2002; Van der Merwe_2022). The following publications have been ascertained in the context of this evaluation (PMID: 12114492, 35464868). Seven submitters have cited clinical-significance assessments for this variant to ClinVar after 2014, and all submitters classified the variant as pathogenic. Based on the evidence outlined above, the variant was classified as pathogenic.

Quest Diagnostics Nichols Institute San Juan Capistrano
Classification: Pathogenic. Last evaluated: 2022-11-30. Review status: criteria provided, single submitter. Criteria: Quest Diagnostics criteria. Collection method: clinical testing. Allele origin: unknown. Not counted in ClinVar's aggregate classification.
Comment: This frameshift variant alters the translational reading frame of the BRCA2 mRNA and causes the premature termination of BRCA2 protein synthesis. This variant has not been reported in large, multi-ethnic general populations. In the published literature, the variant has been reported in patients affected with breast and/or ovarian cancer (PMIDs: 27167707 (2016), 17997147 (2008), 12114492 (2002)). Based on the available information, this variant is classified as pathogenic.

Ambry Genetics
Classification: Pathogenic for Hereditary cancer-predisposing syndrome. Last evaluated: 2022-04-13. Review status: criteria provided, single submitter. Criteria: Ambry Variant Classification Scheme 2023. Collection method: clinical testing. Allele origin: germline. Not counted in ClinVar's aggregate classification.
Comment: The c.6393_6396delATTA pathogenic mutation, located in coding exon 10 of the BRCA2 gene, results from a deletion of 4 nucleotides at nucleotide positions 6393 to 6396, causing a translational frameshift with a predicted alternate stop codon (p.K2131Nfs*5). This mutation has been reported in a Polish family with two cases of male breast cancer (Kwiatkowska E et al. J. Med. Genet. 2002 Jul;39:E35), and in Polish ovarian cancer patients (Brozek I et al. Gynecol. Oncol. 2008 Feb;108:433-7; Koczkowska M et al. Cancer Med. 2016 Jul;5:1640-6). In addition to the clinical data presented in the literature, this alteration is expected to result in loss of function by premature protein truncation or nonsense-mediated mRNA decay. As such, this alteration is interpreted as a disease-causing mutation.

Clinical Genetics and Genomics, Karolinska University Hospital
Classification: Pathogenic. Last evaluated: 2018-12-05. Review status: criteria provided, single submitter. Criteria: ACMG Guidelines, 2015. Collection method: clinical testing. Allele origin: germline. Affected: yes. Observed: 1 variant allele. Not counted in ClinVar's aggregate classification.

GeneDx
Classification: Pathogenic. Last evaluated: 2017-06-29. Review status: criteria provided, single submitter. Criteria: GeneDx Variant Classification (06012015). Collection method: clinical testing. Allele origin: germline. Affected: yes. Not counted in ClinVar's aggregate classification.
Comment: This deletion of four nucleotides in BRCA2 is denoted c.6393_6396delATTA at the cDNA level and p.Lys2131AsnfsX5 (K2131NfsX5) at the protein level. Using alternate nomenclature, this variant has been published as BRCA2 6621del4. The normal sequence, with the bases that are deleted in brackets, is TTAA[delATTA]TCAA. The deletion causes a frameshift which changes a Lysine to an Asparagine at codon 2131, and creates a premature stop codon at position 5 of the new reading frame. This variant is predicted to cause loss of normal protein function through either protein truncation or nonsense-mediated mRNA decay. We consider this variant to be pathogenic.

Molecular Genetics Laboratory, University of Michigan
Classification: Pathogenic for Breast-ovarian cancer, familial, susceptibility to, 2. Last evaluated: 2016-04-21. Review status: criteria provided, single submitter. Criteria: ACMG Guidelines, 2015. Collection method: clinical testing. Allele origin: germline. Affected: yes. Not counted in ClinVar's aggregate classification.

BRCAlab, Lund University
Classification: Pathogenic for Breast-ovarian cancer, familial, susceptibility to, 2. Last evaluated: 2020-03-02. Review status: no assertion criteria provided. Collection method: clinical testing. Allele origin: germline. Affected: yes. Not counted in ClinVar's aggregate classification.

Literature cited by the submitters: PubMed 12114492 (cited by 5 submitters); PubMed 17997147 (cited by 5 submitters); PubMed 27167707 (cited by 4 submitters); PubMed 35464868 (cited by 3 submitters); PubMed 8988179 (cited by All of Us Research Program, National Institutes of Health); PubMed 11897832 (cited by All of Us Research Program, National Institutes of Health); PubMed 29446198 (cited by All of Us Research Program, National Institutes of Health); PubMed 31575519 (cited by All of Us Research Program, National Institutes of Health); PubMed 31853058 (cited by All of Us Research Program, National Institutes of Health); PubMed 20104584 (cited by Labcorp Genetics (formerly Invitae), Labcorp).

NM_000059.4(BRCA2):c.6393_6396del (p.Lys2131fs)

Gene: BRCA2 (BRCA2 DNA repair associated; plus strand). Cytogenetic location: 13q13.1.
Variant type: Deletion.
Coding change: c.6393_6396del on transcript NM_000059.4 (MANE Select); coding-DNA positions 6393 to 6396, 4 bases deleted (ATTA; older notation c.6393_6396delATTA).
Protein change: p.Lys2131fs; shifts the reading frame from lysine 2131.
Molecular consequence: frameshift variant.
Genome position (GRCh38, 1-based): chr13:32,340,748-32,340,751, ATTA deleted; deleting any 4 consecutive bases within chr13:32,340,747-32,340,751 gives the same sequence; the c. name uses the placement nearest the transcript's 3' end. VCF-style (leftmost placement, unchanged base first): chr13-32340746-AAATT-A. GRCh37 (hg19) VCF-style: chr13-32914883-AAATT-A.
Other names: c.6393_6396delATTA (NM_000059.3); short protein forms K2131fs.
Identifiers: ClinVar variation 52080 (VCV000052080.26), dbSNP rs397507849, ClinGen allele CA023978.